The following is an entry in ClinVar:

NM_058216.3(RAD51C):c.1094C>A (p.Thr365Asn)

Gene: RAD51C (RAD51 paralog C; plus strand). Cytogenetic location: 17q22.
Variant type: single nucleotide variant.
Coding change: c.1094C>A on transcript NM_058216.3 (MANE Select); coding-DNA position 1094, C replaced by A.
Protein change: p.Thr365Asn; replaces threonine 365 with asparagine.
Molecular consequence: missense variant. On other transcripts: non-coding transcript variant (1).
Genome position (GRCh38, 1-based): chr17:58,734,185, C>A. VCF-style: chr17-58734185-C-A. GRCh37 (hg19) VCF-style: chr17-56811546-C-A.
Other names: short protein forms T365N.
Identifiers: ClinVar variation 1387506 (VCV001387506.8), dbSNP rs755838887, ClinGen allele CA400366443.
Genomic context (GRCh38, chr17:58,734,185, plus strand): 5'-GATTTAGAGATACTGTTGTTACTTCTGCATGTTCATTGCAAACAGAAGGTTCCTTGAGCA[C>A]CCGGAAACGGTCACGAGACCCAGAGGAAGAATTATAACCCAGAAACAAATCTCAAAGTGT-3'
Protein context (NP_478123.1, residues 355-375): CSLQTEGSLS[Thr365Asn]RKRSRDPEEE

ClinVar aggregate classification (germline): Uncertain significance (1 of 4 stars; one submission).

Conditions:
Fanconi anemia complementation group O. Also called: RAD51C-Related Fanconi Anemia. Identifiers: Orphanet 84, MedGen C3150653, MONDO:0013248, OMIM 613390.

Submission:

Labcorp Genetics (formerly Invitae), Labcorp
Classification: Uncertain significance for Fanconi anemia complementation group O. Last evaluated: 2020-11-10. Review status: criteria provided, single submitter. Criteria: Invitae Variant Classification Sherloc (09022015). Collection method: clinical testing. Allele origin: germline.
Comment: In summary, the available evidence is currently insufficient to determine the role of this variant in disease. Therefore, it has been classified as a Variant of Uncertain Significance. Algorithms developed to predict the effect of missense changes on protein structure and function (SIFT, PolyPhen-2, Align-GVGD) all suggest that this variant is likely to be tolerated, but these predictions have not been confirmed by published functional studies and their clinical significance is uncertain. This variant has not been reported in the literature in individuals with RAD51C-related conditions. This variant is not present in population databases (ExAC no frequency). This sequence change replaces threonine with asparagine at codon 365 of the RAD51C protein (p.Thr365Asn). The threonine residue is weakly conserved and there is a small physicochemical difference between threonine and asparagine.